The following is an entry in ClinVar:

ClinVar aggregate classification (germline): Likely benign. Review status: criteria provided, multiple submitters, no conflicts (2 of 4 stars). 2 submissions from 2 submitters: Likely benign (2). Last evaluated 2018-06-19.

Allele frequency attached by ClinVar (database versions not stated): 1000 Genomes Project 30x 0.00312; 1000 Genomes Project 0.00319; gnomAD 0.00641 and 0.00664; TOPMed 0.00644; gnomAD exomes 0.00649.
gnomAD v4.1: 4,603 of 715,398 alleles (0.64%); highest among the groups gnomAD compares: Non-Finnish European, 0.98%; 31 homozygotes.

Submissions (2):

GeneDx
Classification: Likely benign. Last evaluated: 2018-06-19. Review status: criteria provided, single submitter. Criteria: GeneDx Variant Classification (06012015). Collection method: clinical testing. Allele origin: germline. Affected: yes.
Comment: This variant is considered likely benign or benign based on one or more of the following criteria: it is a conservative change, it occurs at a poorly conserved position in the protein, it is predicted to be benign by multiple in silico algorithms, and/or has population frequency not consistent with disease.

Breakthrough Genomics
Classification: Likely benign. Review status: criteria provided, single submitter. Criteria: ACMG Guidelines, 2015. Collection method: not provided. Allele origin: germline. Inheritance: Autosomal recessive inheritance. Affected: yes.

NM_000426.4(LAMA2):c.1884+115A>T

Gene: LAMA2 (laminin subunit alpha 2; plus strand). Cytogenetic location: 6q22.33.
Variant type: single nucleotide variant.
Coding change: c.1884+115A>T on transcript NM_000426.4 (MANE Select); 115 bases into the intron after coding-DNA position 1884, A replaced by T.
Molecular consequence: intron variant.
Genome position (GRCh38, 1-based): chr6:129,250,328, A>T. VCF-style: chr6-129250328-A-T. GRCh37 (hg19) VCF-style: chr6-129571473-A-T.
Other names: c.1884+115A>T (NM_001079823.2).
Identifiers: ClinVar variation 679018 (VCV000679018.2), dbSNP rs72973246, ClinGen allele CA146918343.